The following is an entry in ClinVar:

ClinVar aggregate classification (germline): Uncertain significance (1 of 4 stars; one submission).

Conditions:
Immunodeficiency 35 (IMD35). Also called: HIES WITH ATYPICAL MYCOBACTERIOSIS, AUTOSOMAL RECESSIVE; HYPER-IgE SYNDROME WITH ATYPICAL MYCOBACTERIOSIS, AUTOSOMAL RECESSIVE; TYK2 DEFICIENCY; Susceptibility to infection due to TYK2 deficiency. Identifiers: Orphanet 331226, MedGen C1969086, MONDO:0012682, OMIM 611521.

Allele frequency attached by ClinVar (database versions not stated): ExAC 0.00002; gnomAD 0.00006; gnomAD exomes 0.00008; TOPMed 0.00014.
gnomAD v4.1: 184 of 1,613,418 alleles (0.011%); highest among the groups gnomAD compares: Admixed American, 0.018%; no homozygotes.

Submission:

Labcorp Genetics (formerly Invitae), Labcorp
Classification: Uncertain significance for Immunodeficiency 35. Last evaluated: 2022-08-20. Review status: criteria provided, single submitter. Criteria: Invitae Variant Classification Sherloc (09022015). Collection method: clinical testing. Allele origin: germline.
Comment: This sequence change replaces leucine, which is neutral and non-polar, with valine, which is neutral and non-polar, at codon 784 of the TYK2 protein (p.Leu784Val). This variant is present in population databases (rs759014184, gnomAD 0.02%). This variant has not been reported in the literature in individuals affected with TYK2-related conditions. ClinVar contains an entry for this variant (Variation ID: 536647). Algorithms developed to predict the effect of missense changes on protein structure and function output the following: SIFT: "Not Available"; PolyPhen-2: "Benign"; Align-GVGD: "Not Available". The valine amino acid residue is found in multiple mammalian species, which suggests that this missense change does not adversely affect protein function. In summary, the available evidence is currently insufficient to determine the role of this variant in disease. Therefore, it has been classified as a Variant of Uncertain Significance.

NM_003331.5(TYK2):c.2350C>G (p.Leu784Val)

Gene: TYK2 (tyrosine kinase 2; minus strand). Cytogenetic location: 19p13.2.
Variant type: single nucleotide variant.
Coding change: c.2350C>G on transcript NM_003331.5 (MANE Select); coding-DNA position 2350, C replaced by G.
Protein change: p.Leu784Val; replaces leucine 784 with valine.
Molecular consequence: missense variant.
Genome position (GRCh38, 1-based): chr19:10,357,880, G>C on the plus strand (C>G on the coding strand, the complement: TYK2 is on the minus strand). VCF-style: chr19-10357880-G-C. GRCh37 (hg19) VCF-style: chr19-10468556-G-C.
Other names: c.2350C>G (LRG_121t1); short protein forms L784V.
Identifiers: ClinVar variation 536647 (VCV000536647.6), dbSNP rs759014184, ClinGen allele CA9193095.
Genomic context (GRCh38, chr19:10,357,880, plus strand): 5'-GGGTGGCGCCAAACCCCCACTTGTCCATGGCGGTGCTTAGGCTGTTGGCCCCACCTGGTA[G>C]GCATTCGGGGGCCAGCCAGGGGATCCTCTCCACCCGCTCTGGGAGGCCAAGGTCAGAGGT-3'
Protein context (NP_003322.3, residues 774-794): ERIPWLAPEC[Leu784Val]PGGANSLSTA